The following is an entry in ClinVar:

ClinVar aggregate classification (germline): Uncertain significance (1 of 4 stars; one submission).

Conditions:
Joubert syndrome 16 (JBTS16). Identifiers: Orphanet 2318, MedGen C3280906, MONDO:0013764, OMIM 614465.

Submission:

Labcorp Genetics (formerly Invitae), Labcorp
Classification: Uncertain significance for Joubert syndrome 16. Last evaluated: 2022-08-16. Review status: criteria provided, single submitter. Criteria: Invitae Variant Classification Sherloc (09022015). Collection method: clinical testing. Allele origin: germline.
Comment: In summary, the available evidence is currently insufficient to determine the role of this variant in disease. Therefore, it has been classified as a Variant of Uncertain Significance. Algorithms developed to predict the effect of missense changes on protein structure and function (SIFT, PolyPhen-2, Align-GVGD) all suggest that this variant is likely to be tolerated. ClinVar contains an entry for this variant (Variation ID: 1353903). This variant has not been reported in the literature in individuals affected with TMEM138-related conditions. This variant is not present in population databases (gnomAD no frequency). This sequence change replaces serine, which is neutral and polar, with cysteine, which is neutral and slightly polar, at codon 94 of the TMEM138 protein (p.Ser94Cys).

NM_016464.5(TMEM138):c.281C>G (p.Ser94Cys)

Gene: TMEM138 (transmembrane protein 138; plus strand). Cytogenetic location: 11q12.2.
Variant type: single nucleotide variant.
Coding change: c.281C>G on transcript NM_016464.5 (MANE Select); coding-DNA position 281, C replaced by G.
Protein change: p.Ser94Cys; replaces serine 94 with cysteine.
Molecular consequence: missense variant. On other transcripts: non-coding transcript variant (1).
Genome position (GRCh38, 1-based): chr11:61,366,197, C>G. VCF-style: chr11-61366197-C-G. GRCh37 (hg19) VCF-style: chr11-61133669-C-G.
Other names: c.107C>G, p.Ser36Cys (NM_001330281.2); short protein forms S36C, S94C.
Identifiers: ClinVar variation 1353903 (VCV001353903.8), dbSNP rs2135158354, ClinGen allele CA380679384.
Genomic context (GRCh38, chr11:61,366,197, plus strand): 5'-TATTCCATAAGTTCAAAGGGACCATCATCCTGACAGCTGTGTACTTTGCCCTCAGCATCT[C>G]CCTTCATGTCTGGGTCATGGTAAGAGTGGCAGTCTGAATTCTTTTTTTAATTTTTATTTT-3'
Protein context (NP_057548.1, residues 84-104): LTAVYFALSI[Ser94Cys]LHVWVMNLRW